The following is an entry in ClinVar:

ClinVar aggregate classification (germline): Uncertain significance. Review status: criteria provided, multiple submitters, no conflicts (2 of 4 stars). 4 submissions from 4 submitters: Uncertain significance (4). Last evaluated 2024-12-05.

Conditions:
Hyperphosphatasia with impaired intellectual development syndrome 2. Also called: GLYCOSYLPHOSPHATIDYLINOSITOL BIOSYNTHESIS DEFECT 6; Hyperphosphatasia with intellectual disability syndrome 2. Identifiers: Orphanet 247262, MedGen C3553637, MONDO:0013882, OMIM 614749.

Allele frequency attached by ClinVar (database versions not stated): 1000 Genomes Project 30x 0.00062; ESP Exome Variant Server 0.00008; ExAC 0.00009; gnomAD exomes 0.00011 and 0.00019; gnomAD 0.00019 and 0.00020; TOPMed 0.00023; 1000 Genomes Project 0.00040.
gnomAD v4.1: 299 of 1,614,196 alleles (0.019%); highest among the groups gnomAD compares: Admixed American, 0.038%; no homozygotes.

Submissions (4):

GeneDx
Classification: Uncertain significance. Last evaluated: 2024-12-05. Review status: criteria provided, single submitter. Criteria: GeneDx Variant Classification Process June 2021. Collection method: clinical testing. Allele origin: germline. Affected: yes.
Comment: In silico analysis supports that this missense variant has a deleterious effect on protein structure/function; Has not been previously published as pathogenic or benign to our knowledge

Labcorp Genetics (formerly Invitae), Labcorp
Classification: Uncertain significance for Hyperphosphatasia with impaired intellectual development syndrome 2. Last evaluated: 2022-11-01. Review status: criteria provided, single submitter. Criteria: Invitae Variant Classification Sherloc (09022015). Collection method: clinical testing. Allele origin: germline.
Comment: This sequence change replaces arginine, which is basic and polar, with cysteine, which is neutral and slightly polar, at codon 1035 of the PIGO protein (p.Arg1035Cys). This variant is present in population databases (rs376829041, gnomAD 0.02%). This variant has not been reported in the literature in individuals affected with PIGO-related conditions. ClinVar contains an entry for this variant (Variation ID: 450677). Advanced modeling of protein sequence and biophysical properties (such as structural, functional, and spatial information, amino acid conservation, physicochemical variation, residue mobility, and thermodynamic stability) performed at Invitae indicates that this missense variant is not expected to disrupt PIGO protein function. In summary, the available evidence is currently insufficient to determine the role of this variant in disease. Therefore, it has been classified as a Variant of Uncertain Significance.

Mayo Clinic Laboratories, Mayo Clinic
Classification: Uncertain significance. Last evaluated: 2022-05-17. Review status: criteria provided, single submitter. Criteria: ACMG Guidelines, 2015. Collection method: clinical testing. Allele origin: germline. Observed: 1 variant allele.
Comment: PM2

Illumina Laboratory Services, Illumina
Classification: Uncertain significance for Hyperphosphatasia with impaired intellectual development syndrome 2. Last evaluated: 2018-01-12. Review status: criteria provided, single submitter. Criteria: ICSL Variant Classification Criteria 13 December 2019. Collection method: clinical testing. Allele origin: germline.

NM_032634.4(PIGO):c.3103C>T (p.Arg1035Cys)

Gene: PIGO (phosphatidylinositol glycan anchor biosynthesis class O; minus strand). Cytogenetic location: 9p13.3.
Variant type: single nucleotide variant.
Coding change: c.3103C>T on transcript NM_032634.4 (MANE Select); coding-DNA position 3103, C replaced by T.
Protein change: p.Arg1035Cys; replaces arginine 1035 with cysteine.
Molecular consequence: missense variant.
Genome position (GRCh38, 1-based): chr9:35,089,417, G>A on the plus strand (C>T on the coding strand, the complement: PIGO is on the minus strand). VCF-style: chr9-35089417-G-A. GRCh37 (hg19) VCF-style: chr9-35089414-G-A.
Other names: p.Arg1035Cys; c.1852C>T, p.Arg618Cys (NM_001201484.2, NM_152850.4); short protein forms R1035C, R618C.
Identifiers: ClinVar variation 450677 (VCV000450677.15), dbSNP rs376829041, ClinGen allele CA5040247.
Genomic context (GRCh38, chr9:35,089,417, plus strand): 5'-ACTTCTCAAGCAAATCTACTCACTTAGGGGCAAACACTTTCCAGACCATGAGATGCCTGC[G>A]AAGGATGGAGGCTGCCAAGGCACAGGCCAGAATCTAGAGGAGGAGAGGAGGGGCCACGTT-3'
Protein context (NP_116023.2, residues 1025-1045): LACALAASIL[Arg1035Cys]RHLMVWKVFA